The following is an entry in ClinVar:

ClinVar aggregate classification (germline): Conflicting classifications of pathogenicity. Review status: criteria provided, conflicting classifications (1 of 4 stars). 5 submissions from 5 submitters: Uncertain significance (1); Benign (1); Likely benign (1). 2 of the submissions do not count toward it. Last evaluated 2025-11-10.

Conditions:
ACACA-related disorder. Also called: ACACA-related condition.

Allele frequency attached by ClinVar (database versions not stated): ESP Exome Variant Server 0.00046; gnomAD 0.00047; TOPMed 0.00052; gnomAD exomes 0.00057 and 0.00095; ExAC 0.00077.
gnomAD v4.1: 962 of 1,613,292 alleles (0.06%); highest among the groups gnomAD compares: Middle Eastern, 0.31%; 9 homozygotes.

Submissions (5):

Labcorp Genetics (formerly Invitae), Labcorp
Classification: Benign. Last evaluated: 2025-11-10. Review status: criteria provided, single submitter. Criteria: Invitae Variant Classification Sherloc (09022015). Collection method: clinical testing. Allele origin: germline.

CeGaT Center for Human Genetics Tuebingen
Classification: Likely benign. Last evaluated: 2025-07-01. Review status: criteria provided, single submitter. Criteria: CeGaT Center For Human Genetics Tuebingen Variant Classification Criteria Version 2. Collection method: clinical testing. Allele origin: germline. Affected: yes. Observed: 1 variant allele.
Comment: ACACA: BS1

Breakthrough Genomics
Classification: Uncertain significance. Review status: criteria provided, single submitter. Criteria: ACMG Guidelines, 2015. Collection method: not provided. Allele origin: germline. Inheritance: Autosomal recessive inheritance. Affected: yes.

PreventionGenetics, part of Exact Sciences
Classification: Benign for ACACA-related condition. Last evaluated: 2019-10-28. Review status: no assertion criteria provided. Collection method: clinical testing. Allele origin: germline. Not counted in ClinVar's aggregate classification.
Comment: This variant is classified as benign based on ACMG/AMP sequence variant interpretation guidelines (Richards et al. 2015 PMID: 25741868, with internal and published modifications).

Department of Pathology and Laboratory Medicine, Sinai Health System
Classification: Uncertain significance. Review status: no assertion criteria provided. Collection method: clinical testing. Allele origin: unknown. Affected: yes. Study: The Canadian Open Genetics Repository (COGR). Not counted in ClinVar's aggregate classification.

NM_198834.3(ACACA):c.3132C>G (p.Asp1044Glu)

Gene: ACACA (acetyl-CoA carboxylase alpha; minus strand). Cytogenetic location: 17q12.
Variant type: single nucleotide variant.
Coding change: c.3132C>G on transcript NM_198834.3 (MANE Select); coding-DNA position 3132, C replaced by G.
Protein change: p.Asp1044Glu; replaces aspartic acid 1044 with glutamic acid.
Molecular consequence: missense variant.
Genome position (GRCh38, 1-based): chr17:37,235,089, G>C on the plus strand (C>G on the coding strand, the complement: ACACA is on the minus strand). VCF-style: chr17-37235089-G-C. GRCh37 (hg19) VCF-style: chr17-35592004-G-C.
Other names: c.3021C>G, p.Asp1007Glu (NM_198836.3, NM_198839.3); c.2847C>G, p.Asp949Glu (NM_198837.2); c.2787C>G, p.Asp929Glu (NM_198838.2); c.3132C>G (NM_198834.2); short protein forms D1007E, D1044E, D929E, D949E.
Identifiers: ClinVar variation 1049285 (VCV001049285.15), dbSNP rs140628687, ClinGen allele CA8515410.